The following is an entry in ClinVar:

ClinVar aggregate classification (germline): Uncertain significance. Review status: criteria provided, multiple submitters, no conflicts (2 of 4 stars). 2 submissions from 2 submitters: Uncertain significance (2). Last evaluated 2025-09-12.

Conditions:
Charcot-Marie-Tooth disease axonal type 2C (HMSN2C). Also called: CHARCOT-MARIE-TOOTH DISEASE, AXONAL, AUTOSOMAL DOMINANT, TYPE 2C; Charcot-Marie-Tooth Neuropathy Type 2C; Charcot-Marie-Tooth Disease Type 2, TRPV4-Related (CMT2C). Identifiers: Orphanet 99937, MedGen C1853710, MONDO:0011633, OMIM 606071.

Allele frequency attached by ClinVar (database versions not stated): gnomAD exomes below 0.00001; TOPMed below 0.00001.
gnomAD v4.1: 3 of 1,613,958 alleles (0.00019%); highest among the groups gnomAD compares: Non-Finnish European, 0.00025%; no homozygotes.

Submissions (2):

Labcorp Genetics (formerly Invitae), Labcorp
Classification: Uncertain significance for Charcot-Marie-Tooth disease axonal type 2C. Last evaluated: 2025-09-12. Review status: criteria provided, single submitter. Criteria: Invitae Variant Classification Sherloc (09022015). Collection method: clinical testing. Allele origin: germline.
Comment: This sequence change replaces tyrosine, which is neutral and polar, with histidine, which is basic and polar, at codon 253 of the TRPV4 protein (p.Tyr253His). This variant is not present in population databases (gnomAD no frequency). This variant has not been reported in the literature in individuals affected with TRPV4-related conditions. ClinVar contains an entry for this variant (Variation ID: 1500097). Invitae Evidence Modeling of protein sequence and biophysical properties (such as structural, functional, and spatial information, amino acid conservation, physicochemical variation, residue mobility, and thermodynamic stability) has been performed for this missense variant. However, the output from this modeling did not meet the statistical confidence thresholds required to predict the impact of this variant on TRPV4 protein function. In summary, the available evidence is currently insufficient to determine the role of this variant in disease. Therefore, it has been classified as a Variant of Uncertain Significance.

GeneDx
Classification: Uncertain significance. Last evaluated: 2025-05-16. Review status: criteria provided, single submitter. Criteria: GeneDx Variant Classification Process June 2021. Collection method: clinical testing. Allele origin: germline. Affected: yes.
Comment: Not observed at significant frequency in large population cohorts (gnomAD); In silico analysis supports that this missense variant has a deleterious effect on protein structure/function; Has not been previously published as pathogenic or benign to our knowledge

NM_021625.5(TRPV4):c.757T>C (p.Tyr253His)

Gene: TRPV4 (transient receptor potential cation channel subfamily V member 4; minus strand). Cytogenetic location: 12q24.11.
Variant type: single nucleotide variant.
Coding change: c.757T>C on transcript NM_021625.5 (MANE Select); coding-DNA position 757, T replaced by C.
Protein change: p.Tyr253His; replaces tyrosine 253 with histidine.
Molecular consequence: missense variant. On other transcripts: intron variant (2).
Genome position (GRCh38, 1-based): chr12:109,800,714, A>G on the plus strand (T>C on the coding strand, the complement: TRPV4 is on the minus strand). VCF-style: chr12-109800714-A-G. GRCh37 (hg19) VCF-style: chr12-110238519-A-G.
Other names: c.655T>C, p.Tyr219His (NM_001177431.2); c.757T>C, p.Tyr253His (NM_147204.3); c.713-1802T>C (NM_001177433.1, NM_001177428.1); short protein forms Y219H, Y253H.
Identifiers: ClinVar variation 1500097 (VCV001500097.7), dbSNP rs973315587, ClinGen allele CA243469112.
Genomic context (GRCh38, chr12:109,800,714, plus strand): 5'-AGAAGCGCCCACGGGCCTGGGCGTGGACATCAGCTCCCTGGGCCACGAGAAGTTCCACGT[A>G]GTGTTTGCAGCGACGCTCAATGGCGATGTGCAGGGCTGTCTGACCTGGGGGCAGGGGACG-3'
Protein context (NP_067638.3, residues 243-263): HIAIERRCKH[Tyr253His]VELLVAQGAD